The following is an entry in ClinVar:

ClinVar aggregate classification (germline): Uncertain significance. Review status: criteria provided, multiple submitters, no conflicts (2 of 4 stars). 2 submissions from 2 submitters: Uncertain significance (2). Last evaluated 2024-12-03.

Conditions:
Macrocephaly, dysmorphic facies, and psychomotor retardation (MDFPMR). Identifiers: Orphanet 457359, MedGen C4310766, MONDO:0014863, OMIM 617011.
Inborn genetic diseases. Identifiers: MedGen C0950123, MeSH D030342.

gnomAD v4.1: 38 of 1,612,178 alleles (0.0024%); highest among the groups gnomAD compares: Middle Eastern, 0.017%; no homozygotes.

Submissions (2):

Ambry Genetics
Classification: Uncertain significance for Inborn genetic diseases. Last evaluated: 2024-12-03. Review status: criteria provided, single submitter. Criteria: Ambry Variant Classification Scheme 2023. Collection method: clinical testing. Allele origin: germline.

Laboratorio de Genetica e Diagnostico Molecular, Hospital Israelita Albert Einstein
Classification: Uncertain significance for Macrocephaly, dysmorphic facies, and psychomotor retardation. Last evaluated: 2024-05-14. Review status: criteria provided, single submitter. Criteria: ACMG Guidelines, 2015. Collection method: clinical testing. Allele origin: germline. Affected: yes.
Comment: ACMG classification criteria: PM2 supporting, PP2 supporting, BP4 supporting

NM_003922.4(HERC1):c.11035C>T (p.Arg3679Cys)

Gene: HERC1 (HECT and RLD domain containing E3 ubiquitin protein ligase family member 1; minus strand). Cytogenetic location: 15q22.31.
Variant type: single nucleotide variant.
Coding change: c.11035C>T on transcript NM_003922.4 (MANE Select); coding-DNA position 11035, C replaced by T.
Protein change: p.Arg3679Cys; replaces arginine 3679 with cysteine.
Molecular consequence: missense variant.
Genome position (GRCh38, 1-based): chr15:63,645,526, G>A on the plus strand (C>T on the coding strand, the complement: HERC1 is on the minus strand). VCF-style: chr15-63645526-G-A. GRCh37 (hg19) VCF-style: chr15-63937725-G-A.
Other names: short protein forms R3679C.
Identifiers: ClinVar variation 3525101 (VCV003525101.2).
Genomic context (GRCh38, chr15:63,645,526, plus strand): 5'-GCAAATTGACAACATACGTAGCCATCAGTAACTGCAACTTGGATCCTTTCCCTGGAAGGC[G>A]GCACCAAGCAATGCCATTTACAATAGATGGATGGCAGAGTGAATGTAGACAGCACCAGCA-3'
Protein context (NP_003913.3, residues 3669-3689): PSIVNGIAWC[Arg3679Cys]LPGKGSKLQL